The following is an entry in ClinVar:

NM_018082.6(POLR3B):c.3122G>A (p.Arg1041His)

Genes: POLR3B (RNA polymerase III subunit B; plus strand), RFX4-AS1 (RFX4 antisense RNA 1; minus strand). Cytogenetic location: 12q23.3.
Variant type: single nucleotide variant.
Coding change: c.3122G>A on transcript NM_018082.6 (MANE Select); coding-DNA position 3122, G replaced by A.
Protein change: p.Arg1041His; replaces arginine 1041 with histidine.
Molecular consequence: missense variant.
Genome position (GRCh38, 1-based): chr12:106,504,104, G>A. VCF-style: chr12-106504104-G-A. GRCh37 (hg19) VCF-style: chr12-106897882-G-A.
Other names: c.2948G>A, p.Arg983His (NM_001160708.2); short protein forms R983H, R1041H.
Identifiers: ClinVar variation 4628185 (VCV004628185.2).
Genomic context (GRCh38, chr12:106,504,104, plus strand): 5'-GAATAATAACACATTTGTCTAATAACTTGTTTCAAAGGCAACCCACTGAAGGACGGTCTC[G>A]TGATGGTGGCTTGCGTCTCGGGGAAATGGAACGTGACTGTTTAATCGGTTATGGAGCCAG-3'
Protein context (NP_060552.4, residues 1031-1051): LTRQPTEGRS[Arg1041His]DGGLRLGEME

ClinVar aggregate classification (germline): Uncertain significance. Review status: criteria provided, multiple submitters, no conflicts (2 of 4 stars). 2 submissions from 2 submitters: Uncertain significance (2). Last evaluated 2025-11-28.

Conditions:
Inborn genetic diseases. Identifiers: MedGen C0950123, MeSH D030342.

gnomAD v4.1: 17 of 1,614,018 alleles (0.0011%); highest among the groups gnomAD compares: Middle Eastern, 0.016%; no homozygotes.

Submissions (2):

Labcorp Genetics (formerly Invitae), Labcorp
Classification: Uncertain significance. Last evaluated: 2025-11-28. Review status: criteria provided, single submitter. Criteria: Invitae Variant Classification Sherloc (09022015). Collection method: clinical testing. Allele origin: germline.
Comment: This sequence change replaces arginine, which is basic and polar, with histidine, which is basic and polar, at codon 1041 of the POLR3B protein (p.Arg1041His). This variant is present in population databases (no rsID available, gnomAD 0.006%). This variant has not been reported in the literature in individuals affected with POLR3B-related conditions. Invitae Evidence Modeling of protein sequence and biophysical properties (such as structural, functional, and spatial information, amino acid conservation, physicochemical variation, residue mobility, and thermodynamic stability) indicates that this missense variant is not expected to disrupt POLR3B protein function with a negative predictive value of 80%. In summary, the available evidence is currently insufficient to determine the role of this variant in disease. Therefore, it has been classified as a Variant of Uncertain Significance.

Ambry Genetics
Classification: Uncertain significance for Inborn genetic diseases. Last evaluated: 2025-10-07. Review status: criteria provided, single submitter. Criteria: Ambry Variant Classification Scheme 2023. Collection method: clinical testing. Allele origin: germline.